The following is an entry in ClinVar:

NM_032043.3(BRIP1):c.1771T>A (p.Phe591Ile)

Gene: BRIP1 (BRCA1 interacting DNA helicase 1; minus strand). Cytogenetic location: 17q23.2.
Variant type: single nucleotide variant.
Coding change: c.1771T>A on transcript NM_032043.3 (MANE Select); coding-DNA position 1771, T replaced by A.
Protein change: p.Phe591Ile; replaces phenylalanine 591 with isoleucine.
Molecular consequence: missense variant.
Genome position (GRCh38, 1-based): chr17:61,780,863, A>T on the plus strand (T>A on the coding strand, the complement: BRIP1 is on the minus strand). VCF-style: chr17-61780863-A-T. GRCh37 (hg19) VCF-style: chr17-59858224-A-T.
Other names: short protein forms F591I.
Identifiers: ClinVar variation 234507 (VCV000234507.27), dbSNP rs876661057, ClinGen allele CA10577561.

ClinVar aggregate classification (germline): Uncertain significance. Review status: criteria provided, multiple submitters, no conflicts (2 of 4 stars). 6 submissions from 6 submitters: Uncertain significance (6). Last evaluated 2025-04-17.

Conditions:
Familial ovarian cancer. Identifiers: MedGen C5679802, MONDO:0016248.
Hereditary cancer-predisposing syndrome. Also called: Tumor predisposition; Hereditary Cancer Syndrome; Hereditary neoplastic syndrome; Neoplastic Syndromes, Hereditary. Identifiers: Orphanet 140162, MedGen C0027672, MeSH D009386, MONDO:0015356.
Fanconi anemia complementation group J. Also called: BRIP1-Related Fanconi Anemia. Identifiers: Orphanet 84, MedGen C1836860, MONDO:0012187, OMIM 609054.
Familial cancer of breast. Also called: hereditary breast carcinoma; BREAST CANCER, FAMILIAL; Hereditary breast cancer. Identifiers: Orphanet 227535, MedGen C0346153, MONDO:0016419, OMIM 114480. Disease mechanism: loss of function.

Allele frequency attached by ClinVar (database versions not stated): gnomAD 0.00001; gnomAD exomes 0.00001; TOPMed 0.00001.
gnomAD v4.1: 13 of 1,614,114 alleles (0.00081%); highest among the groups gnomAD compares: Non-Finnish European, 0.0011%; no homozygotes.

Submissions (6):

Labcorp Genetics (formerly Invitae), Labcorp
Classification: Uncertain significance for Familial cancer of breast; Fanconi anemia complementation group J. Last evaluated: 2025-04-17. Review status: criteria provided, single submitter. Criteria: Invitae Variant Classification Sherloc (09022015). Collection method: clinical testing. Allele origin: germline.
Comment: This sequence change replaces phenylalanine, which is neutral and non-polar, with isoleucine, which is neutral and non-polar, at codon 591 of the BRIP1 protein (p.Phe591Ile). This variant is present in population databases (no rsID available, gnomAD 0.007%). This missense change has been observed in individual(s) with breast cancer (PMID: 26921362). ClinVar contains an entry for this variant (Variation ID: 234507). Invitae Evidence Modeling of protein sequence and biophysical properties (such as structural, functional, and spatial information, amino acid conservation, physicochemical variation, residue mobility, and thermodynamic stability) indicates that this missense variant is not expected to disrupt BRIP1 protein function with a negative predictive value of 95%. In summary, the available evidence is currently insufficient to determine the role of this variant in disease. Therefore, it has been classified as a Variant of Uncertain Significance.

Ambry Genetics
Classification: Uncertain significance for Hereditary cancer-predisposing syndrome. Last evaluated: 2025-03-12. Review status: criteria provided, single submitter. Criteria: Ambry Variant Classification Scheme 2023. Collection method: clinical testing. Allele origin: germline.
Comment: The p.F591I variant (also known as c.1771T>A), located in coding exon 11 of the BRIP1 gene, results from a T to A substitution at nucleotide position 1771. The phenylalanine at codon 591 is replaced by isoleucine, an amino acid with highly similar properties. This alteration was observed within individuals with a personal history of breast cancer. (Easton DF et al. J Med Genet, 2016 May;53:298-309). This amino acid position is highly conserved in available vertebrate species. In addition, the in silico prediction for this alteration is inconclusive. Based on the available evidence, the clinical significance of this variant remains unclear.

Color Diagnostics, LLC DBA Color Health
Classification: Uncertain significance for Hereditary cancer-predisposing syndrome. Last evaluated: 2024-11-26. Review status: criteria provided, single submitter. Criteria: ACMG Guidelines, 2015. Collection method: clinical testing. Allele origin: germline.
Comment: This missense variant replaces phenylalanine with isoleucine at codon 591 of the BRIP1 protein. Computational prediction suggests that this variant may not impact protein structure and function. To our knowledge, functional studies have not been reported for this variant. This variant has been detected in a breast cancer case-control meta-analysis in 2/60466 cases and 0/53461 unaffected individuals (PMID: 33471991; Leiden Open Variation Database DB-ID BRIP1_000512). This variant has been identified in 1/31414 chromosomes in the general population by the Genome Aggregation Database (gnomAD). The available evidence is insufficient to determine the role of this variant in disease conclusively. Therefore, this variant is classified as a Variant of Uncertain Significance.

Molecular Pathology, Peter Maccallum Cancer Centre
Classification: Uncertain significance for Familial ovarian cancer. Last evaluated: 2024-08-07. Review status: criteria provided, single submitter. Criteria: ACMG Guidelines, 2015. Collection method: clinical testing. Allele origin: germline. Inheritance: Autosomal dominant inheritance.

Baylor Genetics
Classification: Uncertain significance for Familial cancer of breast. Last evaluated: 2024-02-15. Review status: criteria provided, single submitter. Criteria: ACMG Guidelines, 2015. Collection method: clinical testing. Allele origin: unknown.

GeneDx
Classification: Uncertain significance. Last evaluated: 2023-09-11. Review status: criteria provided, single submitter. Criteria: GeneDx Variant Classification Process June 2021. Collection method: clinical testing. Allele origin: germline. Affected: yes.
Comment: Not observed at significant frequency in large population cohorts (gnomAD); In silico analysis supports that this missense variant has a deleterious effect on protein structure/function; Observed in individuals with breast cancer (Easton et al., 2016); This variant is associated with the following publications: (PMID: 26921362)

Literature cited by the submitters: PubMed 26921362 (cited by Labcorp Genetics (formerly Invitae), Labcorp and Ambry Genetics); PubMed 33471991 (cited by Color Diagnostics, LLC DBA Color Health).